The following is an entry in ClinVar:

NM_002857.4(PEX19):c.629T>C (p.Leu210Pro)

Gene: PEX19 (peroxisomal biogenesis factor 19; minus strand). Cytogenetic location: 1q23.2.
Variant type: single nucleotide variant.
Coding change: c.629T>C on transcript NM_002857.4 (MANE Select); coding-DNA position 629, T replaced by C.
Protein change: p.Leu210Pro; replaces leucine 210 with proline.
Molecular consequence: missense variant. On other transcripts: non-coding transcript variant (2).
Genome position (GRCh38, 1-based): chr1:160,280,212, A>G on the plus strand (T>C on the coding strand, the complement: PEX19 is on the minus strand). VCF-style: chr1-160280212-A-G. GRCh37 (hg19) VCF-style: chr1-160250002-A-G.
Other names: c.629T>C, p.Leu210Pro (NM_001193644.1); short protein forms L210P.
Identifiers: ClinVar variation 1447773 (VCV001447773.8), dbSNP rs775425209, ClinGen allele CA1197289.

ClinVar aggregate classification (germline): Uncertain significance (1 of 4 stars; one submission).

Conditions:
Peroxisome biogenesis disorder 12A (Zellweger). Also called: Peroxisome biogenesis disorder 12A. Identifiers: Orphanet 912, MedGen C3554002, MONDO:0013951, OMIM 614886.

Allele frequency attached by ClinVar (database versions not stated): gnomAD exomes below 0.00001 and 0.00001; ExAC 0.00001; gnomAD 0.00001; TOPMed 0.00002.

Submission:

Labcorp Genetics (formerly Invitae), Labcorp
Classification: Uncertain significance for Peroxisome biogenesis disorder 12A (Zellweger). Last evaluated: 2021-02-26. Review status: criteria provided, single submitter. Criteria: Invitae Variant Classification Sherloc (09022015). Collection method: clinical testing. Allele origin: germline.
Comment: This variant is present in population databases (rs775425209, ExAC 0.001%). This sequence change replaces leucine with proline at codon 210 of the PEX19 protein (p.Leu210Pro). The leucine residue is moderately conserved and there is a moderate physicochemical difference between leucine and proline. This variant has not been reported in the literature in individuals with PEX19-related conditions. Algorithms developed to predict the effect of missense changes on protein structure and function are either unavailable or do not agree on the potential impact of this missense change (SIFT: "Tolerated"; PolyPhen-2: "Probably Damaging"; Align-GVGD: "Class C0"). In summary, the available evidence is currently insufficient to determine the role of this variant in disease. Therefore, it has been classified as a Variant of Uncertain Significance.